The following is an entry in ClinVar:

NM_001972.4(ELANE):c.647C>T (p.Ala216Val)

Gene: ELANE (elastase, neutrophil expressed; plus strand). Cytogenetic location: 19p13.3.
Variant type: single nucleotide variant.
Coding change: c.647C>T on transcript NM_001972.4 (MANE Select); coding-DNA position 647, C replaced by T.
Protein change: p.Ala216Val; replaces alanine 216 with valine.
Molecular consequence: missense variant.
Genome position (GRCh38, 1-based): chr19:856,007, C>T. VCF-style: chr19-856007-C-T. GRCh37 (hg19) VCF-style: chr19-856007-C-T.
Other names: c.647C>T (LRG_57t1); short protein forms A216V.
Identifiers: ClinVar variation 579104 (VCV000579104.11), dbSNP rs760080772, ClinGen allele CA402919025.

ClinVar aggregate classification (germline): Uncertain significance (1 of 4 stars; one submission).

Conditions:
Cyclical neutropenia. Also called: Cyclic hematopoiesis; Cyclic Neutropenia. Identifiers: Orphanet 2686, MedGen C0221023, MONDO:0008090, OMIM 162800, HP:0040289. Disease mechanism: loss of function.
Neutropenia, severe congenital, 1, autosomal dominant. Identifiers: MedGen C1859966, MONDO:0042490, OMIM 202700.

Submission:

Labcorp Genetics (formerly Invitae), Labcorp
Classification: Uncertain significance for Neutropenia, severe congenital, 1, autosomal dominant; Cyclical neutropenia. Last evaluated: 2024-06-11. Review status: criteria provided, single submitter. Criteria: Invitae Variant Classification Sherloc (09022015). Collection method: clinical testing. Allele origin: germline.
Comment: This sequence change replaces alanine, which is neutral and non-polar, with valine, which is neutral and non-polar, at codon 216 of the ELANE protein (p.Ala216Val). This variant is not present in population databases (gnomAD no frequency). This variant has not been reported in the literature in individuals affected with ELANE-related conditions. ClinVar contains an entry for this variant (Variation ID: 579104). Advanced modeling of protein sequence and biophysical properties (such as structural, functional, and spatial information, amino acid conservation, physicochemical variation, residue mobility, and thermodynamic stability) has been performed at Invitae for this missense variant, however the output from this modeling did not meet the statistical confidence thresholds required to predict the impact of this variant on ELANE protein function. In summary, the available evidence is currently insufficient to determine the role of this variant in disease. Therefore, it has been classified as a Variant of Uncertain Significance.